The following is an entry in ClinVar:

ClinVar aggregate classification (germline): Conflicting classifications of pathogenicity. Review status: criteria provided, conflicting classifications (1 of 4 stars). 4 submissions from 4 submitters: Uncertain significance (2); Likely benign (1). 1 of the submissions does not count toward it. Last evaluated 2025-09-28.

Conditions:
Inborn genetic diseases. Identifiers: MedGen C0950123, MeSH D030342.
Fanconi anemia complementation group B (FANCB). Also called: FANCB-Related Fanconi Anemia; FANCONI PANCYTOPENIA, TYPE 2. Identifiers: Orphanet 84, MedGen C1845292, MONDO:0010351, OMIM 300514.
VACTERL association, X-linked, with or without hydrocephalus (VACTERLX). Also called: VACTERL Association with Hydrocephalus, X-linked; X-linked VACTERL-H syndrome; VACTERL ASSOCIATION, X-LINKED; VACTERL-H, X-LINKED. Identifiers: Orphanet 3412, MedGen C2931228, MONDO:0010752, OMIM 314390.
FANCB-related disorder. Also called: FANCB-related condition.
Fanconi anemia (FA). Also called: Fanconi's anemia. Identifiers: Orphanet 84, MedGen C0015625, MeSH D005199, MONDO:0019391.

Allele frequency attached by ClinVar (database versions not stated): gnomAD exomes below 0.00001 and 0.00001; gnomAD 0.00001; 1000 Genomes Project 30x 0.00021; 1000 Genomes Project 0.00026.

Submissions (4):

Labcorp Genetics (formerly Invitae), Labcorp
Classification: Uncertain significance for Fanconi anemia. Last evaluated: 2025-09-28. Review status: criteria provided, single submitter. Criteria: Invitae Variant Classification Sherloc (09022015). Collection method: clinical testing. Allele origin: germline.
Comment: This sequence change replaces serine, which is neutral and polar, with leucine, which is neutral and non-polar, at codon 267 of the FANCB protein (p.Ser267Leu). This variant is present in population databases (rs374217132, gnomAD 0.02%), including at least one homozygous and/or hemizygous individual. This variant has not been reported in the literature in individuals affected with FANCB-related conditions. ClinVar contains an entry for this variant (Variation ID: 1005025). Invitae Evidence Modeling of protein sequence and biophysical properties (such as structural, functional, and spatial information, amino acid conservation, physicochemical variation, residue mobility, and thermodynamic stability) indicates that this missense variant is not expected to disrupt FANCB protein function with a negative predictive value of 80%. In summary, the available evidence is currently insufficient to determine the role of this variant in disease. Therefore, it has been classified as a Variant of Uncertain Significance.

Ambry Genetics
Classification: Likely benign for Inborn genetic diseases. Last evaluated: 2024-10-08. Review status: criteria provided, single submitter. Criteria: Ambry Variant Classification Scheme 2023. Collection method: clinical testing. Allele origin: germline.

Fulgent Genetics
Classification: Uncertain significance for Fanconi anemia complementation group B; VACTERL association, X-linked, with or without hydrocephalus. Last evaluated: 2022-03-17. Review status: criteria provided, single submitter. Criteria: ACMG Guidelines, 2015. Collection method: clinical testing. Allele origin: unknown.

PreventionGenetics, part of Exact Sciences
Classification: Uncertain significance for FANCB-related condition. Last evaluated: 2024-02-01. Review status: no assertion criteria provided. Collection method: clinical testing. Allele origin: germline. Not counted in ClinVar's aggregate classification.
Comment: The FANCB c.800C>T variant is predicted to result in the amino acid substitution p.Ser267Leu. To our knowledge, this variant has not been reported in the literature. This variant is reported in 0.014% of alleles in individuals of East Asian descent in gnomAD. Although we suspect that this variant may be benign, at this time, the clinical significance of this variant is uncertain due to the absence of conclusive functional and genetic evidence.

NM_001018113.3(FANCB):c.800C>T (p.Ser267Leu)

Gene: FANCB (FA complementation group B; minus strand). Cytogenetic location: Xp22.2.
Variant type: single nucleotide variant.
Coding change: c.800C>T on transcript NM_001018113.3 (MANE Select); coding-DNA position 800, C replaced by T.
Protein change: p.Ser267Leu; replaces serine 267 with leucine.
Molecular consequence: missense variant.
Genome position (GRCh38, 1-based): chrX:14,864,711, G>A on the plus strand (C>T on the coding strand, the complement: FANCB is on the minus strand). VCF-style: chrX-14864711-G-A. GRCh37 (hg19) VCF-style: chrX-14882833-G-A.
Other names: c.800C>T (NM_001018113.1, NM_001018113.2); c.800C>T, p.Ser267Leu (NM_001324162.2, NM_152633.4); short protein forms S267L.
Identifiers: ClinVar variation 1005025 (VCV001005025.9), dbSNP rs374217132, ClinGen allele CA327063396.